The following is an entry in ClinVar:

NM_016247.4(IMPG2):c.3011A>T (p.Asp1004Val)

Gene: IMPG2 (interphotoreceptor matrix proteoglycan 2; minus strand). Cytogenetic location: 3q12.3.
Variant type: single nucleotide variant.
Coding change: c.3011A>T on transcript NM_016247.4 (MANE Select); coding-DNA position 3011, A replaced by T.
Protein change: p.Asp1004Val; replaces aspartic acid 1004 with valine.
Molecular consequence: missense variant.
Genome position (GRCh38, 1-based): chr3:101,242,699, T>A on the plus strand (A>T on the coding strand, the complement: IMPG2 is on the minus strand). VCF-style: chr3-101242699-T-A. GRCh37 (hg19) VCF-style: chr3-100961543-T-A.
Other names: short protein forms D1004V.
Identifiers: ClinVar variation 1004659 (VCV001004659.7), dbSNP rs1706422827, ClinGen allele CA353852874.

ClinVar aggregate classification (germline): Uncertain significance. Review status: criteria provided, multiple submitters, no conflicts (2 of 4 stars). 2 submissions from 2 submitters: Uncertain significance (2). Last evaluated 2022-07-03.

Submissions (2):

Labcorp Genetics (formerly Invitae), Labcorp
Classification: Uncertain significance. Last evaluated: 2022-07-03. Review status: criteria provided, single submitter. Criteria: Invitae Variant Classification Sherloc (09022015). Collection method: clinical testing. Allele origin: germline.
Comment: This sequence change replaces aspartic acid, which is acidic and polar, with valine, which is neutral and non-polar, at codon 1004 of the IMPG2 protein (p.Asp1004Val). This variant is not present in population databases (gnomAD no frequency). This missense change has been observed in individual(s) with retinitis pigmentosa (Invitae). ClinVar contains an entry for this variant (Variation ID: 1004659). Algorithms developed to predict the effect of missense changes on protein structure and function (SIFT, PolyPhen-2, Align-GVGD) all suggest that this variant is likely to be disruptive. In summary, the available evidence is currently insufficient to determine the role of this variant in disease. Therefore, it has been classified as a Variant of Uncertain Significance.

Blueprint Genetics
Classification: Uncertain significance. Last evaluated: 2022-05-20. Review status: criteria provided, single submitter. Criteria: ACMG Guidelines, 2015. Collection method: clinical testing. Allele origin: germline.